The following is an entry in ClinVar:

ClinVar aggregate classification (germline): Likely pathogenic (1 of 4 stars; one submission).

Conditions:
LAMA2-related muscular dystrophy (LAMA2-RD). Also called: Laminin alpha 2-related dystrophy. Identifiers: MedGen C5679788, MONDO:0100228.

Submission:

Myriad Genetics, Inc.
Classification: Likely pathogenic for LAMA2-related muscular dystrophy. Last evaluated: 2022-03-02. Review status: criteria provided, single submitter. Criteria: Myriad Autosomal Dominant, Autosomal Recessive and X-Linked Classification Criteria (2023). Collection method: clinical testing. Allele origin: unknown.
Comment: NM_000426.3(LAMA2):c.5673_5674delCC(Q1892Gfs*2) is expected to be pathogenic in the context of muscular dystrophy, LAMA2-related. This variant is predicted to lead to an abnormal or absent protein product due to the creation of a premature termination codon in LAMA2, a gene where loss-of-function variants are known to be pathogenic. Please note: this variant was assessed in the context of healthy population screening.

NM_000426.4(LAMA2):c.5673_5674del (p.Gln1892fs)

Gene: LAMA2 (laminin subunit alpha 2; plus strand). Cytogenetic location: 6q22.33.
Variant type: Deletion.
Coding change: c.5673_5674del on transcript NM_000426.4 (MANE Select); coding-DNA positions 5673 to 5674, 2 bases deleted (CC; older notation c.5673_5674delCC).
Protein change: p.Gln1892fs; shifts the reading frame from glutamine 1892.
Molecular consequence: frameshift variant.
Genome position (GRCh38, 1-based): chr6:129,402,434-129,402,435, CC deleted; deleting any 2 consecutive bases within chr6:129,402,433-129,402,435 gives the same sequence; the c. name uses the placement nearest the transcript's 3' end. VCF-style (leftmost placement, unchanged base first): chr6-129402432-TCC-T. GRCh37 (hg19) VCF-style: chr6-129723577-TCC-T.
Other names: c.5673_5674del, p.Gln1892fs (NM_001079823.2); short protein forms Q1892fs.
Identifiers: ClinVar variation 1724868 (VCV001724868.3), dbSNP rs2533298429, ClinGen allele CA2580075006.